The following is an entry in ClinVar:

NM_002907.4(RECQL):c.1289T>C (p.Val430Ala)

Gene: RECQL (RecQ like helicase; minus strand). Cytogenetic location: 12p12.1.
Variant type: single nucleotide variant.
Coding change: c.1289T>C on transcript NM_002907.4 (MANE Select); coding-DNA position 1289, T replaced by C.
Protein change: p.Val430Ala; replaces valine 430 with alanine.
Molecular consequence: missense variant.
Genome position (GRCh38, 1-based): chr12:21,474,907, A>G on the plus strand (T>C on the coding strand, the complement: RECQL is on the minus strand). VCF-style: chr12-21474907-A-G. GRCh37 (hg19) VCF-style: chr12-21627841-A-G.
Other names: c.1289T>C, p.Val430Ala (NM_032941.3); short protein forms V430A.
Identifiers: ClinVar variation 1769045 (VCV001769045.2), dbSNP rs2540340955, ClinGen allele CA384118480.

ClinVar aggregate classification (germline): Uncertain significance (1 of 4 stars; one submission).

Submission:

Ambry Genetics
Classification: Uncertain significance. Last evaluated: 2022-05-16. Review status: criteria provided, single submitter. Criteria: Ambry Variant Classification Scheme 2023. Collection method: clinical testing. Allele origin: germline.
Comment: The p.V430A variant (also known as c.1289T>C), located in coding exon 10 of the RECQL gene, results from a T to C substitution at nucleotide position 1289. The valine at codon 430 is replaced by alanine, an amino acid with similar properties. This amino acid position is conserved. In addition, the in silico prediction for this alteration is inconclusive. Since supporting evidence is limited at this time, the clinical significance of this alteration remains unclear.